The following is an entry in ClinVar:

ClinVar aggregate classification (germline): Uncertain significance (1 of 4 stars; one submission).

Submission:

Labcorp Genetics (formerly Invitae), Labcorp
Classification: Uncertain significance. Last evaluated: 2022-06-08. Review status: criteria provided, single submitter. Criteria: Invitae Variant Classification Sherloc (09022015). Collection method: clinical testing. Allele origin: germline.
Comment: In summary, the available evidence is currently insufficient to determine the role of this variant in disease. Therefore, it has been classified as a Variant of Uncertain Significance. Algorithms developed to predict the effect of missense changes on protein structure and function (SIFT, PolyPhen-2, Align-GVGD) all suggest that this variant is likely to be disruptive. This variant has not been reported in the literature in individuals affected with ASPM-related conditions. This variant is not present in population databases (gnomAD no frequency). This sequence change replaces aspartic acid, which is acidic and polar, with glutamic acid, which is acidic and polar, at codon 715 of the ASPM protein (p.Asp715Glu).

NM_018136.5(ASPM):c.2145C>G (p.Asp715Glu)

Gene: ASPM (assembly factor for spindle microtubules; minus strand). Cytogenetic location: 1q31.3.
Variant type: single nucleotide variant.
Coding change: c.2145C>G on transcript NM_018136.5 (MANE Select); coding-DNA position 2145, C replaced by G.
Protein change: p.Asp715Glu; replaces aspartic acid 715 with glutamic acid.
Molecular consequence: missense variant.
Genome position (GRCh38, 1-based): chr1:197,135,124, G>C on the plus strand (C>G on the coding strand, the complement: ASPM is on the minus strand). VCF-style: chr1-197135124-G-C. GRCh37 (hg19) VCF-style: chr1-197104254-G-C.
Other names: c.2145C>G, p.Asp715Glu (NM_001206846.2); short protein forms D715E.
Identifiers: ClinVar variation 2002867 (VCV002002867.4), dbSNP rs2527382160, ClinGen allele CA344010350.